The following is an entry in ClinVar:

NM_006017.3(PROM1):c.1142G>T (p.Gly381Val)

Gene: PROM1 (prominin 1; minus strand). Cytogenetic location: 4p15.32.
Variant type: single nucleotide variant.
Coding change: c.1142G>T on transcript NM_006017.3 (MANE Select); coding-DNA position 1142, G replaced by T.
Protein change: p.Gly381Val; replaces glycine 381 with valine.
Molecular consequence: missense variant.
Genome position (GRCh38, 1-based): chr4:16,009,108, C>A on the plus strand (G>T on the coding strand, the complement: PROM1 is on the minus strand). VCF-style: chr4-16009108-C-A. GRCh37 (hg19) VCF-style: chr4-16010731-C-A.
Other names: c.1115G>T, p.Gly372Val (NM_001145847.2, NM_001145848.2, NM_001145851.2 and 4 more transcripts); c.1142G>T, p.Gly381Val (NM_001145849.2, NM_001145850.2); short protein forms G372V, G381V.
Identifiers: ClinVar variation 2852837 (VCV002852837.3), dbSNP rs1352048199, ClinGen allele CA356437264.

ClinVar aggregate classification (germline): Uncertain significance (1 of 4 stars; one submission).

Submission:

Labcorp Genetics (formerly Invitae), Labcorp
Classification: Uncertain significance. Last evaluated: 2024-01-08. Review status: criteria provided, single submitter. Criteria: Invitae Variant Classification Sherloc (09022015). Collection method: clinical testing. Allele origin: germline.
Comment: This sequence change replaces glycine, which is neutral and non-polar, with valine, which is neutral and non-polar, at codon 381 of the PROM1 protein (p.Gly381Val). This variant is not present in population databases (gnomAD no frequency). This variant has not been reported in the literature in individuals affected with PROM1-related conditions. An algorithm developed to predict the effect of missense changes on protein structure and function (PolyPhen-2) suggests that this variant is likely to be disruptive. Algorithms developed to predict the effect of sequence changes on RNA splicing suggest that this variant may disrupt the consensus splice site. In summary, the available evidence is currently insufficient to determine the role of this variant in disease. Therefore, it has been classified as a Variant of Uncertain Significance.